The following is an entry in ClinVar:

ClinVar aggregate classification (germline): Uncertain significance (1 of 4 stars; one submission).

Conditions:
Hereditary cancer-predisposing syndrome. Also called: Tumor predisposition; Hereditary Cancer Syndrome; Neoplastic Syndromes, Hereditary; Hereditary neoplastic syndrome. Identifiers: Orphanet 140162, MedGen C0027672, MeSH D009386, MONDO:0015356.

Submission:

Color Diagnostics, LLC DBA Color Health
Classification: Uncertain significance for Hereditary cancer-predisposing syndrome. Last evaluated: 2025-07-15. Review status: criteria provided, single submitter. Criteria: ACMG Guidelines, 2015. Collection method: clinical testing. Allele origin: germline.
Comment: This missense variant replaces tyrosine with phenylalanine at codon 688 of the BRCA2 protein. Computational prediction suggests that this variant may not impact protein structure and function. To our knowledge, functional studies have not been reported for this variant. This variant has not been reported in individuals affected with BRCA2-related disorders in the literature. This variant has not been identified in the general population by the Genome Aggregation Database (gnomAD). The available evidence is insufficient to determine the role of this variant in disease conclusively. Therefore, this variant is classified as a Variant of Uncertain Significance.

NM_000059.4(BRCA2):c.2063A>T (p.Tyr688Phe)

Gene: BRCA2 (BRCA2 DNA repair associated; plus strand). Cytogenetic location: 13q13.1.
Variant type: single nucleotide variant.
Coding change: c.2063A>T on transcript NM_000059.4 (MANE Select); coding-DNA position 2063, A replaced by T.
Protein change: p.Tyr688Phe; replaces tyrosine 688 with phenylalanine.
Molecular consequence: missense variant. On other transcripts: non-coding transcript variant (1), intron variant (2).
Genome position (GRCh38, 1-based): chr13:32,336,418, A>T. VCF-style: chr13-32336418-A-T. GRCh37 (hg19) VCF-style: chr13-32910555-A-T.
Other names: c.2063A>T, p.Tyr688Phe (NM_001406719.1, NM_001406720.1, NM_001432077.1); c.1909+3031A>T (NM_001406721.1); c.424+5388A>T (NM_001406722.1); short protein forms Y688F.
Identifiers: ClinVar variation 4757405 (VCV004757405.1).